The following is an entry in ClinVar:

ClinVar aggregate classification (germline): Pathogenic. Review status: criteria provided, multiple submitters, no conflicts (2 of 4 stars). 3 submissions from 3 submitters: Pathogenic (2). 1 of the submissions does not count toward it. Last evaluated 2021-11-24.

Conditions:
Distal myopathy, Tateyama type (MPDT). Also called: CAV3-Related Distal Myopathy. Identifiers: Orphanet 488650, MedGen C3280443, MONDO:0013686, OMIM 614321.
Long QT syndrome 9 (LQT9). Identifiers: Orphanet 101016, Orphanet 768, MedGen C2678485, MONDO:0012736, OMIM 611818.
Hypertrophic cardiomyopathy 1 (CMH1). Also called: Familial hypertrophic cardiomyopathy 1; MYH7-Related Familial Hypertrophic Cardiomyopathy. Identifiers: MedGen C3495498, MONDO:0008647, OMIM 192600.
Elevated circulating creatine kinase activity. Also called: Elevated creatine kinase; Elevated circulating creatine kinase concentration; Elevated serum creatine phosphokinase. Identifiers: MedGen C0241005, HP:0003236.
Rippling muscle disease 2 (RMD2). Also called: CAV3-Related Rippling Muscle Disease; Limb-girdle muscular dystrophy, type 1C. Identifiers: Orphanet 265, MedGen C1832560, MONDO:0019947, OMIM 606072.
Long QT syndrome (LQTS). Identifiers: MedGen C0023976, MeSH D008133, MONDO:0002442. Disease mechanism: loss of function. Inheritance: Various modes of inheritance.

Allele frequency attached by ClinVar (database versions not stated): gnomAD exomes below 0.00001; TOPMed below 0.00001.

Submissions (3):

Fulgent Genetics
Classification: Pathogenic for Creatine phosphokinase, elevated serum; Hypertrophic cardiomyopathy 1; Rippling muscle disease 2; Long QT syndrome 9; Distal myopathy, Tateyama type. Last evaluated: 2021-11-24. Review status: criteria provided, single submitter. Criteria: ACMG Guidelines, 2015. Collection method: clinical testing. Allele origin: unknown.

Labcorp Genetics (formerly Invitae), Labcorp
Classification: Pathogenic for Long QT syndrome. Last evaluated: 2020-01-30. Review status: criteria provided, single submitter. Criteria: Invitae Variant Classification Sherloc (09022015). Collection method: clinical testing. Allele origin: germline.
Comment: Nucleotide substitutions within the consensus splice site are a relatively common cause of aberrant splicing (PMID: 17576681, 9536098). Experimental studies have shown that this variant disrupts mRNA splicing and affects protein function (PMID: 16730439, 21294223). For these reasons, this variant has been classified as Pathogenic. This variant has been observed in the heterozygous and homozygous state in individuals affected with clinical features of caveolinopathies (PMID: 26185955, 16730439). ClinVar contains an entry for this variant (Variation ID: 31740). This variant is not present in population databases (ExAC no frequency). This sequence change falls in intron 1 of the CAV3 gene. It does not directly change the encoded amino acid sequence of the CAV3 protein, but it affects a nucleotide within the consensus splice site of the intron.

Leiden Muscular Dystrophy (CAV3)
No classification provided. Last evaluated: 2012-04-15. Review status: no classification provided. Collection method: curation. Allele origin: germline. Not counted in ClinVar's aggregate classification.

Literature cited by the submitters: PubMed 17576681 (cited by Labcorp Genetics (formerly Invitae), Labcorp); PubMed 9536098 (cited by Labcorp Genetics (formerly Invitae), Labcorp); PubMed 16730439 (cited by Labcorp Genetics (formerly Invitae), Labcorp); PubMed 21294223 (cited by Labcorp Genetics (formerly Invitae), Labcorp); PubMed 26185955 (cited by Labcorp Genetics (formerly Invitae), Labcorp).

NM_033337.3(CAV3):c.114+2T>C

Gene: CAV3 (caveolin 3; plus strand). Cytogenetic location: 3p25.3.
Variant type: single nucleotide variant.
Coding change: c.114+2T>C on transcript NM_033337.3 (MANE Select); the canonical splice donor site of the intron after coding-DNA position 114, T replaced by C.
Molecular consequence: splice donor variant.
Genome position (GRCh38, 1-based): chr3:8,733,992, T>C. VCF-style: chr3-8733992-T-C. GRCh37 (hg19) VCF-style: chr3-8775678-T-C.
Other names: c.114+2T>C (NM_001234.5).
Identifiers: ClinVar variation 31740 (VCV000031740.11), dbSNP rs116840787, ClinGen allele CA215208.